The following is an entry in ClinVar:

ClinVar aggregate classification (germline): Pathogenic/Likely pathogenic. Review status: criteria provided, multiple submitters, no conflicts (2 of 4 stars). 2 submissions from 2 submitters: Pathogenic (1); Likely pathogenic (1). Last evaluated 2024-01-19.

Conditions:
Progressive external ophthalmoplegia with mitochondrial DNA deletions, autosomal recessive 1 (PEOB1). Also called: Progressive external ophthalmoplegia, autosomal recessive 1; Autosomal Recessive Progressive External Ophthalmoplegia (arPEO). Identifiers: Orphanet 254886, MedGen C4225153, MONDO:0009783, OMIM 258450.
Progressive sclerosing poliodystrophy (MTDPS4A). Also called: ALPERS PROGRESSIVE INFANTILE POLIODYSTROPHY; Mitochondrial DNA depletion syndrome 4A (Alpers type); ALPERS DIFFUSE DEGENERATION OF CEREBRAL GRAY MATTER WITH HEPATIC CIRRHOSIS; Alpers-Huttenlocher Syndrome; Alpers-Huttenlocher Syndrome (AHS); Alpers Syndrome. Identifiers: Orphanet 726, MedGen C0205710, MONDO:0008758, OMIM 203700.

Submissions (2):

Labcorp Genetics (formerly Invitae), Labcorp
Classification: Pathogenic for Progressive sclerosing poliodystrophy. Last evaluated: 2024-01-19. Review status: criteria provided, single submitter. Criteria: Invitae Variant Classification Sherloc (09022015). Collection method: clinical testing. Allele origin: germline.
Comment: This sequence change creates a premature translational stop signal (p.Gly23Serfs*236) in the POLG gene. It is expected to result in an absent or disrupted protein product. Loss-of-function variants in POLG are known to be pathogenic (PMID: 18546365). This variant is not present in population databases (gnomAD no frequency). This variant has not been reported in the literature in individuals affected with POLG-related conditions. ClinVar contains an entry for this variant (Variation ID: 984421). For these reasons, this variant has been classified as Pathogenic.

Columbia University Laboratory of Personalized Genomic Medicine, Columbia University Medical Center
Classification: Likely pathogenic for Progressive external ophthalmoplegia with mitochondrial DNA deletions, autosomal recessive 1. Last evaluated: 2020-10-23. Review status: criteria provided, single submitter. Criteria: ACMG Guidelines, 2015. Collection method: clinical testing. Allele origin: germline. Inheritance: Autosomal recessive inheritance. Affected: yes. Observed: 1 compound heterozygote.
Comment: Pathogenic variants in POLG are associated with a spectrum of diseases associated with defects in mitochondrial DNA, including autosomal dominant (OMIM #157640) and autosomal recessive (OMIM #258450) forms of progressive external ophthalmoplegia. Analysis of the whole-exome sequencing data identified two heterozygous variants in POLG (DNA polymerase gamma, OMIM# 174763).

Literature cited by the submitters: PubMed 18546365 (cited by Labcorp Genetics (formerly Invitae), Labcorp).

NM_002693.3(POLG):c.67_88del (p.Gly23fs)

Genes: POLG (DNA polymerase gamma, catalytic subunit; minus strand), POLGARF (POLG alternative reading frame; minus strand). Cytogenetic location: 15q26.1.
Variant type: Deletion.
Coding change: c.67_88del on transcript NM_002693.3 (MANE Select); coding-DNA positions 67 to 88, 22 bases deleted (GGGCGCTGGGTCTCCAGCTCCG).
Protein change: p.Gly23fs; shifts the reading frame from glycine 23.
Molecular consequence: frameshift variant.
Genome position (GRCh38, 1-based): chr15:89,333,667-89,333,688, CGGAGCTGGAGACCCAGCGCCC deleted on the plus strand (GGGCGCTGGGTCTCCAGCTCCG on the coding strand, the reverse complement: POLG is on the minus strand); deleting any 22 consecutive bases within chr15:89,333,667-89,333,698 gives the same sequence; the c. name uses the placement nearest the transcript's 3' end. VCF-style (leftmost placement, unchanged base first): chr15-89333666-ACGGAGCTGGAGACCCAGCGCCC-A. GRCh37 (hg19) VCF-style: chr15-89876897-ACGGAGCTGGAGACCCAGCGCCC-A.
Other names: c.67_88del, p.Gly23fs (NM_001126131.2); short protein forms G23fs.
Identifiers: ClinVar variation 984421 (VCV000984421.11), dbSNP rs2055630470, ClinGen allele CA1139664125.